The following is an entry in ClinVar:

NM_147127.5(EVC2):c.466del (p.Arg156fs)

Gene: EVC2 (EvC ciliary complex subunit 2; minus strand). Cytogenetic location: 4p16.2.
Variant type: Deletion.
Coding change: c.466del on transcript NM_147127.5 (MANE Select); coding-DNA position 466, one base deleted (A; older notation c.466delA).
Protein change: p.Arg156fs; shifts the reading frame from arginine 156.
Molecular consequence: frameshift variant.
Genome position (GRCh38, 1-based): chr4:5,691,318, T deleted on the plus strand (A on the coding strand, the reverse complement: EVC2 is on the minus strand); the first of 2 consecutive T bases (chr4:5,691,318-5,691,319); deleting either gives the same sequence. VCF-style (leftmost placement, unchanged base first): chr4-5691317-CT-C. GRCh37 (hg19) VCF-style: chr4-5693044-CT-C.
Other names: c.226del, p.Arg76fs (NM_001166136.2); short protein forms R156fs, R76fs.
Identifiers: ClinVar variation 1725082 (VCV001725082.2), dbSNP rs2475597907, ClinGen allele CA2580070779.

ClinVar aggregate classification (germline): Likely pathogenic (1 of 4 stars; one submission).

Conditions:
Ellis-van Creveld syndrome (EVC). Also called: EVC-Related Ellis-van Creveld Syndrome; EVC2-Related Ellis-van Creveld Syndrome; MESOECTODERMAL DYSPLASIA; Chondroectodermal dysplasia. Identifiers: Orphanet 289, MedGen C0013903, MONDO:0009162, OMIM 225500.

Submission:

Myriad Genetics, Inc.
Classification: Likely pathogenic for Ellis-van Creveld syndrome. Last evaluated: 2022-03-07. Review status: criteria provided, single submitter. Criteria: Myriad Women's Health Autosomal Recessive and X-Linked Classification Criteria (2021). Collection method: clinical testing. Allele origin: unknown.
Comment: NM_147127.4(EVC2):c.466delA(R156Efs*11) is expected to be pathogenic in the context of EVC2-related Ellis-van Creveld syndrome. This variant is predicted to lead to an abnormal or absent protein product due to the creation of a premature termination codon in EVC2, a gene where loss-of-function variants are known to be pathogenic. Please note: this variant was assessed in the context of healthy population screening.